The following is an entry in ClinVar:

ClinVar aggregate classification (germline): Uncertain significance (1 of 4 stars; one submission).

Conditions:
Progressive external ophthalmoplegia with mitochondrial DNA deletions, autosomal dominant 3. Also called: PROGRESSIVE EXTERNAL OPHTHALMOPLEGIA, AUTOSOMAL DOMINANT 3. Identifiers: MedGen C1836439, MONDO:0012241, OMIM 609286.

Submission:

Kariminejad - Najmabadi Pathology & Genetics Center
Classification: Uncertain significance for Progressive external ophthalmoplegia with mitochondrial DNA deletions, autosomal dominant 3. Last evaluated: 2024-09-19. Review status: criteria provided, single submitter. Criteria: ACMG Guidelines, 2015. Collection method: clinical testing. Allele origin: germline. Inheritance: Autosomal dominant inheritance. Affected: yes.
Comment: PM2,PP3_Moderate,PP2

NM_021830.5(TWNK):c.1255A>C (p.Ser419Arg)

Gene: TWNK (twinkle mtDNA helicase; plus strand). Cytogenetic location: 10q24.31.
Variant type: single nucleotide variant.
Coding change: c.1255A>C on transcript NM_021830.5 (MANE Select); coding-DNA position 1255, A replaced by C.
Protein change: p.Ser419Arg; replaces serine 419 with arginine.
Molecular consequence: missense variant. On other transcripts: 5 prime UTR variant (2), non-coding transcript variant (2), intron variant (1).
Genome position (GRCh38, 1-based): chr10:100,989,655, A>C. VCF-style: chr10-100989655-A-C. GRCh37 (hg19) VCF-style: chr10-102749412-A-C.
Other names: c.1255A>C, p.Ser419Arg (NM_001163812.2); c.-108A>C (NM_001163813.2, NM_001163814.2); c.-57-51A>C (NM_001368275.1); short protein forms S419R.
Identifiers: ClinVar variation 3897053 (VCV003897053.1).